The following is an entry in ClinVar:

ClinVar aggregate classification (germline): Benign (1 of 4 stars; one submission).

Allele frequency attached by ClinVar (database versions not stated): gnomAD exomes 0.38739; gnomAD 0.38901 and 0.39265; TOPMed 0.40057; 1000 Genomes Project 30x 0.44582; 1000 Genomes Project 0.44948.

Submission:

GeneDx
Classification: Benign. Last evaluated: 2018-06-19. Review status: criteria provided, single submitter. Criteria: GeneDx Variant Classification (06012015). Collection method: clinical testing. Allele origin: germline. Affected: yes.
Comment: This variant is considered likely benign or benign based on one or more of the following criteria: it is a conservative change, it occurs at a poorly conserved position in the protein, it is predicted to be benign by multiple in silico algorithms, and/or has population frequency not consistent with disease.

NM_000512.5(GALNS):c.1242+149G>A

Gene: GALNS (galactosamine (N-acetyl)-6-sulfatase; minus strand). Cytogenetic location: 16q24.3.
Variant type: single nucleotide variant.
Coding change: c.1242+149G>A on transcript NM_000512.5 (MANE Select); 149 bases into the intron after coding-DNA position 1242, G replaced by A.
Molecular consequence: intron variant.
Genome position (GRCh38, 1-based): chr16:88,824,618, C>T on the plus strand (G>A on the coding strand, the complement: GALNS is on the minus strand). VCF-style: chr16-88824618-C-T. GRCh37 (hg19) VCF-style: chr16-88891026-C-T.
Other names: c.687+149G>A (NM_001323543.2); c.1260+149G>A (NM_001323544.2).
Identifiers: ClinVar variation 684042 (VCV000684042.1), dbSNP rs747232, ClinGen allele CA14258000.